The following is an entry in ClinVar:

NM_000531.6(OTC):c.907T>C (p.Cys303Arg)

Gene: OTC (ornithine transcarbamylase; plus strand). Cytogenetic location: Xp11.4.
Variant type: single nucleotide variant.
Coding change: c.907T>C on transcript NM_000531.6 (MANE Select); coding-DNA position 907, T replaced by C.
Protein change: p.Cys303Arg; replaces cysteine 303 with arginine.
Molecular consequence: missense variant.
Genome position (GRCh38, 1-based): chrX:38,411,901, T>C. VCF-style: chrX-38411901-T-C. GRCh37 (hg19) VCF-style: chrX-38271154-T-C.
Other names: short protein forms C303R.
Identifiers: ClinVar variation 97356 (VCV000097356.2), dbSNP rs67468335, ClinGen allele CA224830.
Genomic context (GRCh38, chrX:38,411,901, plus strand): 5'-GTCTTATCCCCATCTCTTTAGACTGCTAAAGTTGCTGCCTCTGACTGGACATTTTTACAC[T>C]GCTTGCCCAGAAAGCCAGAAGAAGTGGATGATGAAGTCTTTTATTCTCCTCGATCACTAG-3'
Protein context (NP_000522.3, residues 293-313): VAASDWTFLH[Cys303Arg]LPRKPEEVDD

ClinVar aggregate classification (germline): Pathogenic (0 of 4 stars; one submission).

Submission:

GenMed Metabolism Lab
Classification: Pathogenic. Review status: no assertion criteria provided. Collection method: not provided. Allele origin: unknown.
Comment: p.Cys303Arg, Neonatal, Ornithine binding site
ClinVar note: Converted during submission from pathogenic to Pathogenic.